The following is an entry in ClinVar:

NM_015965.7(NDUFA13):c.67del (p.Arg23fs)

Genes: NDUFA13 (NADH:ubiquinone oxidoreductase subunit A13; plus strand), LOC130064074 (ATAC-STARR-seq lymphoblastoid active region 14360; plus strand). Cytogenetic location: 19p13.11.
Variant type: Deletion.
Coding change: c.67del on transcript NM_015965.7 (MANE Select); coding-DNA position 67, one base deleted (C; older notation c.67delC).
Protein change: p.Arg23fs; shifts the reading frame from arginine 23.
Molecular consequence: frameshift variant.
Genome position (GRCh38, 1-based): chr19:19,516,305, C deleted. VCF-style (leftmost placement, unchanged base first): chr19-19516304-AC-A. GRCh37 (hg19) VCF-style: chr19-19627113-AC-A.
Other names: short protein forms R23fs.
Identifiers: ClinVar variation 2134141 (VCV002134141.4), dbSNP rs1180663691, ClinGen allele CA783996315.

ClinVar aggregate classification (germline): Uncertain significance (1 of 4 stars; one submission).

Allele frequency attached by ClinVar (database versions not stated): TOPMed below 0.00001; gnomAD 0.00001; gnomAD exomes 0.00001.

Submission:

Labcorp Genetics (formerly Invitae), Labcorp
Classification: Uncertain significance. Last evaluated: 2026-01-19. Review status: criteria provided, single submitter. Criteria: Invitae Variant Classification Sherloc (09022015). Collection method: clinical testing. Allele origin: germline.
Comment: This sequence change creates a premature translational stop signal (p.Arg23Glyfs*16) in the NDUFA13 gene. It is expected to result in an absent or disrupted protein product. However, the current clinical and genetic evidence is not sufficient to establish whether loss-of-function variants in NDUFA13 cause disease. This variant is not present in population databases (gnomAD no frequency). This variant has not been reported in the literature in individuals affected with NDUFA13-related conditions. ClinVar contains an entry for this variant (Variation ID: 2134141). In summary, the available evidence is currently insufficient to determine the role of this variant in disease. Therefore, it has been classified as a Variant of Uncertain Significance.